The following is an entry in ClinVar:

NM_001876.4(CPT1A):c.240G>A (p.Ser80=)

Gene: CPT1A (carnitine palmitoyltransferase 1A; minus strand). Cytogenetic location: 11q13.3.
Variant type: single nucleotide variant.
Coding change: c.240G>A on transcript NM_001876.4 (MANE Select); coding-DNA position 240, G replaced by A.
Protein change: p.Ser80=; no amino-acid change (serine 80 retained).
Molecular consequence: synonymous variant.
Genome position (GRCh38, 1-based): chr11:68,812,478, C>T on the plus strand (G>A on the coding strand, the complement: CPT1A is on the minus strand). VCF-style: chr11-68812478-C-T. GRCh37 (hg19) VCF-style: chr11-68579946-C-T.
Other names: p.S80S:TCG>TCA; p.Ser80=; c.240G>A, p.Ser80= (NM_001031847.3).
Identifiers: ClinVar variation 203652 (VCV000203652.17), dbSNP rs61731904, ClinGen allele CA312404.

ClinVar aggregate classification (germline): Benign. Review status: criteria provided, multiple submitters, no conflicts (2 of 4 stars). 6 submissions from 6 submitters: Benign (5). 1 of the submissions does not count toward it. Last evaluated 2026-02-03.

Conditions:
Carnitine palmitoyl transferase 1A deficiency. Also called: CPT deficiency, hepatic, type IA; Carnitine palmitoyltransferase type I deficiency; CPT I DEFICIENCY; CPT DEFICIENCY, HEPATIC, TYPE I; Carnitine palmitoyltransferase 1A deficiency. Identifiers: Orphanet 156, MedGen C1829703, MONDO:0009705, OMIM 255120.

Allele frequency attached by ClinVar (database versions not stated): gnomAD exomes 0.00481; ExAC 0.00582; 1000 Genomes Project 0.01977; gnomAD 0.01982 and 0.02145; 1000 Genomes Project 30x 0.02155; TOPMed 0.02169; ESP Exome Variant Server 0.02256.
gnomAD v4.1: 5,893 of 1,614,174 alleles (0.37%); highest among the groups gnomAD compares: African/African-American, 7%; 203 homozygotes.

Submissions (6):

Labcorp Genetics (formerly Invitae), Labcorp
Classification: Benign for Carnitine palmitoyl transferase 1A deficiency. Last evaluated: 2026-02-03. Review status: criteria provided, single submitter. Criteria: Invitae Variant Classification Sherloc (09022015). Collection method: clinical testing. Allele origin: germline.

ARUP Laboratories, Molecular Genetics and Genomics, ARUP Laboratories
Classification: Benign for Carnitine palmitoyl transferase 1A deficiency. Last evaluated: 2025-02-27. Review status: criteria provided, single submitter. Criteria: ARUP Molecular Germline Variant Investigation Process 2024. Collection method: clinical testing. Allele origin: germline.

Mayo Clinic Laboratories, Mayo Clinic
Classification: Benign. Last evaluated: 2024-09-02. Review status: criteria provided, single submitter. Criteria: ACMG Guidelines, 2015. Collection method: clinical testing. Allele origin: germline. Observed: 2 variant alleles.

GeneDx
Classification: Benign. Last evaluated: 2014-10-08. Review status: criteria provided, single submitter. Criteria: GeneDx Variant Classification (06012015). Collection method: clinical testing. Allele origin: germline. Affected: yes.
Comment: This variant is considered likely benign or benign based on one or more of the following criteria: it is a conservative change, it occurs at a poorly conserved position in the protein, it is predicted to be benign by multiple in silico algorithms, and/or has population frequency not consistent with disease.

Breakthrough Genomics
Classification: Benign. Review status: criteria provided, single submitter. Criteria: ACMG Guidelines, 2015. Collection method: not provided. Allele origin: germline. Inheritance: Autosomal recessive inheritance. Affected: yes.

Natera, Inc.
Classification: Benign for Carnitine palmitoyltransferase type I deficiency. Last evaluated: 2020-09-16. Review status: no assertion criteria provided. Collection method: clinical testing. Allele origin: germline. Not counted in ClinVar's aggregate classification.